The following is an entry in ClinVar:

NM_000268.4(NF2):c.51G>T (p.Lys17Asn)

Gene: NF2 (NF2, moesin-ezrin-radixin like (MERLIN) tumor suppressor; plus strand). Cytogenetic location: 22q12.2.
Variant type: single nucleotide variant.
Coding change: c.51G>T on transcript NM_000268.4 (MANE Select); coding-DNA position 51, G replaced by T.
Protein change: p.Lys17Asn; replaces lysine 17 with asparagine.
Molecular consequence: missense variant. On other transcripts: 5 prime UTR variant (4), non-coding transcript variant (1).
Genome position (GRCh38, 1-based): chr22:29,604,049, G>T. VCF-style: chr22-29604049-G-T. GRCh37 (hg19) VCF-style: chr22-30000038-G-T.
Other names: c.-180G>T (NM_001407053.1, NM_001407056.1); c.51G>T, p.Lys17Asn (NM_001407054.1, NM_001407055.1, NM_001407057.1 and 15 more transcripts); c.-590G>T (NM_001407065.1); c.-206G>T (NM_001407067.1); short protein forms K17N.
Identifiers: ClinVar variation 3299415 (VCV003299415.1).

ClinVar aggregate classification (germline): Uncertain significance (1 of 4 stars; one submission).

Conditions:
Hereditary cancer-predisposing syndrome. Also called: Tumor predisposition; Hereditary Cancer Syndrome; Hereditary neoplastic syndrome; Neoplastic Syndromes, Hereditary. Identifiers: Orphanet 140162, MedGen C0027672, MeSH D009386, MONDO:0015356.

Submission:

Ambry Genetics
Classification: Uncertain significance for Hereditary cancer-predisposing syndrome. Last evaluated: 2024-03-30. Review status: criteria provided, single submitter. Criteria: Ambry Variant Classification Scheme 2023. Collection method: clinical testing. Allele origin: germline.
Comment: The p.K17N variant (also known as c.51G>T), located in coding exon 1 of the NF2 gene, results from a G to T substitution at nucleotide position 51. The lysine at codon 17 is replaced by asparagine, an amino acid with similar properties. This amino acid position is conserved. In addition, this alteration is predicted to be tolerated by in silico analysis. Based on the available evidence, the clinical significance of this alteration remains unclear.